The following is an entry in ClinVar:

NM_002299.4(LCT):c.3716C>T (p.Ser1239Leu)

Gene: LCT (lactase; minus strand). Cytogenetic location: 2q21.3.
Variant type: single nucleotide variant.
Coding change: c.3716C>T on transcript NM_002299.4 (MANE Select); coding-DNA position 3716, C replaced by T.
Protein change: p.Ser1239Leu; replaces serine 1239 with leucine.
Molecular consequence: missense variant.
Genome position (GRCh38, 1-based): chr2:135,808,631, G>A on the plus strand (C>T on the coding strand, the complement: LCT is on the minus strand). VCF-style: chr2-135808631-G-A. GRCh37 (hg19) VCF-style: chr2-136566201-G-A.
Other names: short protein forms S1239L.
Identifiers: ClinVar variation 1372922 (VCV001372922.3), dbSNP rs768506428, ClinGen allele CA1888008.

ClinVar aggregate classification (germline): Uncertain significance (1 of 4 stars; one submission).

Allele frequency attached by ClinVar (database versions not stated): gnomAD 0.00001; TOPMed 0.00001; ExAC 0.00002; gnomAD exomes 0.00002 and 0.00003.
gnomAD v4.1: 29 of 1,614,106 alleles (0.0018%); highest among the groups gnomAD compares: East Asian, 0.018%; 1 homozygote.

Submission:

Labcorp Genetics (formerly Invitae), Labcorp
Classification: Uncertain significance. Last evaluated: 2022-10-18. Review status: criteria provided, single submitter. Criteria: Invitae Variant Classification Sherloc (09022015). Collection method: clinical testing. Allele origin: germline.
Comment: This sequence change replaces serine, which is neutral and polar, with leucine, which is neutral and non-polar, at codon 1239 of the LCT protein (p.Ser1239Leu). This variant is present in population databases (rs768506428, gnomAD 0.03%). This variant has not been reported in the literature in individuals affected with LCT-related conditions. ClinVar contains an entry for this variant (Variation ID: 1372922). Advanced modeling of protein sequence and biophysical properties (such as structural, functional, and spatial information, amino acid conservation, physicochemical variation, residue mobility, and thermodynamic stability) performed at Invitae indicates that this missense variant is not expected to disrupt LCT protein function. In summary, the available evidence is currently insufficient to determine the role of this variant in disease. Therefore, it has been classified as a Variant of Uncertain Significance.